The following is an entry in ClinVar:

NM_002144.4(HOXB1):c.462G>A (p.Pro154=)

Gene: HOXB1 (homeobox B1; minus strand). Cytogenetic location: 17q21.32.
Variant type: single nucleotide variant.
Coding change: c.462G>A on transcript NM_002144.4 (MANE Select); coding-DNA position 462, G replaced by A.
Protein change: p.Pro154=; no amino-acid change (proline 154 retained).
Molecular consequence: synonymous variant.
Genome position (GRCh38, 1-based): chr17:48,530,443, C>T on the plus strand (G>A on the coding strand, the complement: HOXB1 is on the minus strand). VCF-style: chr17-48530443-C-T. GRCh37 (hg19) VCF-style: chr17-46607805-C-T.
Identifiers: ClinVar variation 3041381 (VCV003041381.2), dbSNP rs537352983, ClinGen allele CA8631756.

ClinVar aggregate classification (germline): Likely benign (0 of 4 stars; one submission).

Conditions:
HOXB1-related disorder. Also called: HOXB1-related condition.

Allele frequency attached by ClinVar (database versions not stated): TOPMed 0.00002; gnomAD 0.00004; gnomAD exomes 0.00011; 1000 Genomes Project 0.00020; ExAC 0.00023; 1000 Genomes Project 30x 0.00031.

Submission:

PreventionGenetics, part of Exact Sciences
Classification: Likely benign for HOXB1-related condition. Last evaluated: 2019-12-30. Review status: no assertion criteria provided. Collection method: clinical testing. Allele origin: germline.
Comment: This variant is classified as likely benign based on ACMG/AMP sequence variant interpretation guidelines (Richards et al. 2015 PMID: 25741868, with internal and published modifications).